The following is an entry in ClinVar:

ClinVar aggregate classification (germline): Uncertain significance (1 of 4 stars; one submission).

Conditions:
PHF6-related disorder. Also called: PHF6-related condition.

gnomAD v4.1: 1 of 1,211,306 alleles (0.000083%); highest among the groups gnomAD compares: Non-Finnish European, 0.00011%; no homozygotes.

Submission:

PreventionGenetics, part of Exact Sciences
Classification: Uncertain significance for PHF6-related condition. Last evaluated: 2026-06-26. Review status: criteria provided, single submitter. Criteria: ACMG Guidelines, 2015. Collection method: clinical testing. Allele origin: germline.
Comment: The PHF6 c.1046A>G variant is predicted to result in the amino acid substitution p.Lys349Arg. To our knowledge, this variant has not been reported in the literature or in a large population database (gnomAD), indicating this variant is rare. At this time, the clinical significance of this variant is uncertain due to the absence of conclusive functional and genetic evidence.

NM_001015877.2(PHF6):c.1046A>G (p.Lys349Arg)

Gene: PHF6 (PHD finger protein 6; plus strand). Cytogenetic location: Xq26.2.
Variant type: single nucleotide variant.
Coding change: c.1046A>G on transcript NM_001015877.2 (MANE Select); coding-DNA position 1046, A replaced by G.
Protein change: p.Lys349Arg; replaces lysine 349 with arginine.
Molecular consequence: missense variant.
Genome position (GRCh38, 1-based): chrX:134,425,278, A>G. VCF-style: chrX-134425278-A-G. GRCh37 (hg19) VCF-style: chrX-133559308-A-G.
Other names: c.1046A>G, p.Lys349Arg (NM_032458.3); short protein forms K349R.
Identifiers: ClinVar variation 4998474 (VCV004998474.1).